The following is an entry in ClinVar:

NM_001917.5(DAO):c.113G>A (p.Arg38His)

Gene: DAO (D-amino acid oxidase; plus strand). Cytogenetic location: 12q24.11.
Variant type: single nucleotide variant.
Coding change: c.113G>A on transcript NM_001917.5 (MANE Select); coding-DNA position 113, G replaced by A.
Protein change: p.Arg38His; replaces arginine 38 with histidine.
Molecular consequence: missense variant.
Genome position (GRCh38, 1-based): chr12:108,885,119, G>A. VCF-style: chr12-108885119-G-A. GRCh37 (hg19) VCF-style: chr12-109278895-G-A.
Other names: c.113G>A, p.Arg38His (NM_001413634.1, NM_001413635.1); short protein forms R38H.
Identifiers: ClinVar variation 2632057 (VCV002632057.1), dbSNP rs368093324, ClinGen allele CA6770959.

ClinVar aggregate classification (germline): Uncertain significance (1 of 4 stars; one submission).

Conditions:
DAO-related disorder. Also called: DAO-related condition.

Allele frequency attached by ClinVar (database versions not stated): gnomAD 0.00007; TOPMed 0.00007; ExAC 0.00008; ESP Exome Variant Server 0.00008.
gnomAD v4.1: 104 of 1,613,246 alleles (0.0064%); highest among the groups gnomAD compares: Middle Eastern, 0.083%; no homozygotes.

Submission:

PreventionGenetics, part of Exact Sciences
Classification: Uncertain significance for DAO-related condition. Last evaluated: 2023-03-20. Review status: criteria provided, single submitter. Criteria: ACMG Guidelines, 2015. Collection method: clinical testing. Allele origin: germline.
Comment: The DAO c.113G>A variant is predicted to result in the amino acid substitution p.Arg38His. This variant was reported in an individual with amyotrophic lateral sclerosis; however, this individual also had a C9orf72 repeat expansion. Therefore, this variant was suggested to be a rare polymorphism (Millecamps et al. 2010. PubMed ID: 20538972; Millecamps et al. 2012. PubMed ID: 22499346). This variant is reported in 0.014% of alleles in individuals of European (Non-Finnish) descent in gnomAD. At this time, the clinical significance of this variant is uncertain due to the absence of conclusive functional and genetic evidence.